The following is an entry in ClinVar:

ClinVar aggregate classification (germline): Conflicting classifications of pathogenicity. Review status: criteria provided, conflicting classifications (1 of 4 stars). 3 submissions from 3 submitters: Likely pathogenic (1); Uncertain significance (2). Last evaluated 2026-01-21.

Conditions:
Mucopolysaccharidosis, MPS-III-B (MPS3B). Also called: MPS IIIB (Sanfilippo Syndrome Type B); MUCOPOLYSACCHARIDOSIS, TYPE IIIB; Mucopolysaccharidosis type IIIB (Sanfilippo B); N-ACETYL-ALPHA-D-GLUCOSAMINIDASE DEFICIENCY; NAGLU DEFICIENCY; SANFILIPPO SYNDROME B. Identifiers: Orphanet 79270, MedGen C0086648, MONDO:0009656, OMIM 252920.

Allele frequency attached by ClinVar (database versions not stated): gnomAD 0.00001; TOPMed 0.00001; gnomAD exomes below 0.00001.

Submissions (3):

GeneDx
Classification: Likely pathogenic. Last evaluated: 2026-01-21. Review status: criteria provided, single submitter. Criteria: GeneDx Variant Classification Process June 2021. Collection method: clinical testing. Allele origin: germline.
Comment: In silico analysis supports that this missense variant has a deleterious effect on protein structure/function; Not observed at significant frequency in large population cohorts (gnomAD); This variant is associated with the following publications: (PMID: 38862389, 35005816, 33550137)

Women's Health and Genetics/Laboratory Corporation of America, LabCorp
Classification: Uncertain significance. Last evaluated: 2023-06-30. Review status: criteria provided, single submitter. Criteria: LabCorp Variant Classification Summary - May 2015. Collection method: clinical testing. Allele origin: germline.
Comment: Variant summary: NAGLU c.608G>A (p.Arg203Gln) results in a conservative amino acid change located in the Alpha-N-acetylglucosaminidase, tim-barrel domain (IPR024733) of the encoded protein sequence. Four of five in-silico tools predict a damaging effect of the variant on protein function. The variant allele was found at a frequency of 4e-06 in 251386 control chromosomes (gnomAD). c.608G>A has been reported in the literature as a biallelic genotype in individuals affected with Mucopolysaccharidosis Type IIIB (Sanfilippo Syndrome B, e.g. Guan_2021, Ghaffari_2022). These data indicate that the variant may be associated with disease. To our knowledge, no experimental evidence demonstrating an impact on protein function has been reported. The following publications have been ascertained in the context of this evaluation (PMID: 35005816, 33550137). One ClinVar submitter has assessed the variant since 2014 and classified it as of uncertain significance. Based on the evidence outlined above, the variant was classified as VUS-possibly pathogenic.

Baylor Genetics
Classification: Uncertain significance for Mucopolysaccharidosis, MPS-III-B. Last evaluated: 2019-09-06. Review status: criteria provided, single submitter. Criteria: ACMG Guidelines, 2015. Collection method: clinical testing. Allele origin: unknown. Affected: yes.
Comment: This variant was determined to be of uncertain significance according to ACMG Guidelines, 2015 [PMID:25741868].

Literature cited by the submitters: PubMed 35005816 (cited by Women's Health and Genetics/Laboratory Corporation of America, LabCorp); PubMed 33550137 (cited by Women's Health and Genetics/Laboratory Corporation of America, LabCorp).

NM_000263.4(NAGLU):c.608G>A (p.Arg203Gln)

Gene: NAGLU (N-acetyl-alpha-glucosaminidase; plus strand). Cytogenetic location: 17q21.2.
Variant type: single nucleotide variant.
Coding change: c.608G>A on transcript NM_000263.4 (MANE Select); coding-DNA position 608, G replaced by A.
Protein change: p.Arg203Gln; replaces arginine 203 with glutamine.
Molecular consequence: missense variant.
Genome position (GRCh38, 1-based): chr17:42,538,415, G>A. VCF-style: chr17-42538415-G-A. GRCh37 (hg19) VCF-style: chr17-40690433-G-A.
Other names: short protein forms R203Q.
Identifiers: ClinVar variation 1029750 (VCV001029750.4), dbSNP rs904118831, ClinGen allele CA290773146.